The following is an entry in ClinVar:

ClinVar aggregate classification (germline): Benign/Likely benign. Review status: criteria provided, multiple submitters, no conflicts (2 of 4 stars). 6 submissions from 6 submitters: Benign (5); Likely benign (1). Last evaluated 2026-02-03.

Allele frequency attached by ClinVar (database versions not stated): gnomAD exomes 0.03040; ExAC 0.04680; gnomAD 0.05483 and 0.05618; ESP Exome Variant Server 0.05856; TOPMed 0.05973; 1000 Genomes Project 0.06070; 1000 Genomes Project 30x 0.06512.
gnomAD v4.1: 44,663 of 1,574,552 alleles (2.8%); highest among the groups gnomAD compares: African/African-American, 14%; 1,385 homozygotes.

Submissions (6):

Labcorp Genetics (formerly Invitae), Labcorp
Classification: Benign. Last evaluated: 2026-02-03. Review status: criteria provided, single submitter. Criteria: Invitae Variant Classification Sherloc (09022015). Collection method: clinical testing. Allele origin: germline.

Blueprint Genetics
Classification: Likely benign. Last evaluated: 2024-11-28. Review status: criteria provided, single submitter. Criteria: ACMG Guidelines, 2015. Collection method: clinical testing. Allele origin: germline.

Mayo Clinic Laboratories, Mayo Clinic
Classification: Benign. Last evaluated: 2022-09-06. Review status: criteria provided, single submitter. Criteria: ACMG Guidelines, 2015. Collection method: clinical testing. Allele origin: germline. Observed: 1 variant allele.

GeneDx
Classification: Benign. Last evaluated: 2019-01-31. Review status: criteria provided, single submitter. Criteria: GeneDx Variant Classification Process June 2021. Collection method: clinical testing. Allele origin: germline. Affected: yes.

Laboratory for Molecular Medicine, Mass General Brigham Personalized Medicine
Classification: Benign. Last evaluated: 2014-11-24. Review status: criteria provided, single submitter. Criteria: LMM Criteria. Collection method: clinical testing. Allele origin: germline. Observed: 4 variant alleles.
Comment: Val652Met in exon 14 of CSF2RB: This variant is not expected to have clinical si gnificance because it has been identified in 13.4% (588/4378) of African America n chromosomes from a broad population by the NHLBI Exome Sequencing Project (dbSNP rs1801114).

Breakthrough Genomics
Classification: Benign. Review status: criteria provided, single submitter. Criteria: ACMG Guidelines, 2015. Collection method: not provided. Allele origin: germline. Inheritance: Autosomal recessive inheritance. Affected: yes.

NM_000395.3(CSF2RB):c.1954G>A (p.Val652Met)

Gene: CSF2RB (colony stimulating factor 2 receptor subunit beta; plus strand). Cytogenetic location: 22q12.3.
Variant type: single nucleotide variant.
Coding change: c.1954G>A on transcript NM_000395.3 (MANE Select); coding-DNA position 1954, G replaced by A.
Protein change: p.Val652Met; replaces valine 652 with methionine.
Molecular consequence: missense variant.
Genome position (GRCh38, 1-based): chr22:36,937,762, G>A. VCF-style: chr22-36937762-G-A. GRCh37 (hg19) VCF-style: chr22-37333804-G-A.
Other names: short protein forms V652M.
Identifiers: ClinVar variation 226550 (VCV000226550.19), dbSNP rs1801114, ClinGen allele CA10214014.